The following is an entry in ClinVar:

ClinVar aggregate classification (germline): Likely pathogenic. Review status: criteria provided, multiple submitters, no conflicts (2 of 4 stars). 2 submissions from 2 submitters: Likely pathogenic (2). Last evaluated 2024-08-26.

Conditions:
CDH23-related disorder. Also called: CDH23-related disorders; CDH23-related condition.

Submissions (2):

Blueprint Genetics
Classification: Likely pathogenic for CDH23-related disorders. Last evaluated: 2024-08-26. Review status: criteria provided, single submitter. Criteria: ACMG Guidelines, 2015. Collection method: clinical testing. Allele origin: germline. Affected: yes. Observed: 2 variant alleles.

Labcorp Genetics (formerly Invitae), Labcorp
Classification: Likely pathogenic. Last evaluated: 2021-08-25. Review status: criteria provided, single submitter. Criteria: Invitae Variant Classification Sherloc (09022015). Collection method: clinical testing. Allele origin: germline.
Comment: Disruption of this splice site has been observed in individual(s) with clinical features of Usher syndrome (Invitae). In summary, the currently available evidence indicates that the variant is pathogenic, but additional data are needed to prove that conclusively. Therefore, this variant has been classified as Likely Pathogenic. Algorithms developed to predict the effect of sequence changes on RNA splicing suggest that this variant may disrupt the consensus splice site. This variant is not present in population databases (ExAC no frequency). This sequence change affects a donor splice site in intron 52 of the CDH23 gene. It is expected to disrupt RNA splicing. Variants that disrupt the donor or acceptor splice site typically lead to a loss of protein function (PMID: 16199547), and loss-of-function variants in CDH23 are known to be pathogenic (PMID: 11138009, 21940737).

Literature cited by the submitters: PubMed 16199547 (cited by Labcorp Genetics (formerly Invitae), Labcorp); PubMed 11138009 (cited by Labcorp Genetics (formerly Invitae), Labcorp); PubMed 21940737 (cited by Labcorp Genetics (formerly Invitae), Labcorp).

NM_022124.6(CDH23):c.7362+1G>A

Gene: CDH23 (cadherin related 23; plus strand). Cytogenetic location: 10q22.1.
Variant type: single nucleotide variant.
Coding change: c.7362+1G>A on transcript NM_022124.6 (MANE Select); the canonical splice donor site of the intron after coding-DNA position 7362, G replaced by A.
Molecular consequence: splice donor variant.
Genome position (GRCh38, 1-based): chr10:71,799,630, G>A. VCF-style: chr10-71799630-G-A. GRCh37 (hg19) VCF-style: chr10-73559387-G-A.
Other names: c.642+1G>A (NM_001171933.1, NM_001171934.1).
Identifiers: ClinVar variation 1487959 (VCV001487959.7), dbSNP rs2132968839, ClinGen allele CA377159727.